The following is an entry in ClinVar:

NM_003482.4(KMT2D):c.3706G>T (p.Gly1236Cys)

Genes: KMT2D (lysine methyltransferase 2D; minus strand), LOC126861520 (CDK7 strongly-dependent group 2 enhancer GRCh37_chr12:49442744-49443943; plus strand). Cytogenetic location: 12q13.12.
Variant type: single nucleotide variant.
Coding change: c.3706G>T on transcript NM_003482.4 (MANE Select); coding-DNA position 3706, G replaced by T.
Protein change: p.Gly1236Cys; replaces glycine 1236 with cysteine.
Molecular consequence: missense variant.
Genome position (GRCh38, 1-based): chr12:49,049,882, C>A on the plus strand (G>T on the coding strand, the complement: KMT2D is on the minus strand). VCF-style: chr12-49049882-C-A. GRCh37 (hg19) VCF-style: chr12-49443665-C-A.
Other names: short protein forms G1236C.
Identifiers: ClinVar variation 1033589 (VCV001033589.3), dbSNP rs1937830399, ClinGen allele CA384655696.

ClinVar aggregate classification (germline): Uncertain significance. Review status: criteria provided, multiple submitters, no conflicts (2 of 4 stars). 2 submissions from 2 submitters: Uncertain significance (2). Last evaluated 2019-03-29.

Conditions:
Kabuki syndrome 1 (KABUK1). Also called: KMT2D-Related Kabuki Syndrome. Identifiers: Orphanet 2322, MedGen CN030661, MONDO:0007843, OMIM 147920.

Submissions (2):

GeneDx
Classification: Uncertain significance. Last evaluated: 2019-03-29. Review status: criteria provided, single submitter. Criteria: GeneDx Variant Classification Process June 2021. Collection method: clinical testing. Allele origin: germline. Affected: yes.
Comment: Not observed in large population cohorts (Lek et al., 2016); In silico analysis, which includes protein predictors and evolutionary conservation, supports that this variant does not alter protein structure/function; Has not been previously published as pathogenic or benign to our knowledge

Baylor Genetics
Classification: Uncertain significance for Kabuki syndrome 1. Last evaluated: 2018-01-16. Review status: criteria provided, single submitter. Criteria: ACMG Guidelines, 2015. Collection method: clinical testing. Allele origin: maternal. Affected: yes.
Comment: This variant was determined to be of uncertain significance according to ACMG Guidelines, 2015 [PMID:25741868].